The following is an entry in ClinVar:

ClinVar aggregate classification (germline): Uncertain significance (1 of 4 stars; one submission).

Conditions:
Combined immunodeficiency due to DOCK8 deficiency (HIES2). Also called: HIES autosomal recessive; HYPER-IgE RECURRENT INFECTION SYNDROME 2, AUTOSOMAL RECESSIVE; HYPER-IgE SYNDROME 2, AUTOSOMAL RECESSIVE, WITH RECURRENT INFECTIONS; Hyper-IgE recurrent infection syndrome, autosomal recessive; DOCK8 Deficiency. Identifiers: Orphanet 217390, MedGen C4722305, MONDO:0009478, OMIM 243700.

Submission:

Labcorp Genetics (formerly Invitae), Labcorp
Classification: Uncertain significance for Combined immunodeficiency due to DOCK8 deficiency. Last evaluated: 2022-01-26. Review status: criteria provided, single submitter. Criteria: Invitae Variant Classification Sherloc (09022015). Collection method: clinical testing. Allele origin: germline.
Comment: In summary, the available evidence is currently insufficient to determine the role of this variant in disease. Therefore, it has been classified as a Variant of Uncertain Significance. Algorithms developed to predict the effect of missense changes on protein structure and function are either unavailable or do not agree on the potential impact of this missense change (SIFT: "Tolerated"; PolyPhen-2: "Probably Damaging"; Align-GVGD: "Class C0"). This variant has not been reported in the literature in individuals affected with DOCK8-related conditions. This variant is not present in population databases (gnomAD no frequency). This sequence change replaces proline, which is neutral and non-polar, with serine, which is neutral and polar, at codon 255 of the DOCK8 protein (p.Pro255Ser).

NM_203447.4(DOCK8):c.763C>T (p.Pro255Ser)

Gene: DOCK8 (dedicator of cytokinesis 8; plus strand). Cytogenetic location: 9p24.3.
Variant type: single nucleotide variant.
Coding change: c.763C>T on transcript NM_203447.4 (MANE Select); coding-DNA position 763, C replaced by T.
Protein change: p.Pro255Ser; replaces proline 255 with serine.
Molecular consequence: missense variant.
Genome position (GRCh38, 1-based): chr9:317,064, C>T. VCF-style: chr9-317064-C-T. GRCh37 (hg19) VCF-style: chr9-317064-C-T.
Other names: c.559C>T, p.Pro187Ser (NM_001190458.2, NM_001193536.2); short protein forms P187S, P255S.
Identifiers: ClinVar variation 1470574 (VCV001470574.8), dbSNP rs754843805, ClinGen allele CA372761762.
Genomic context (GRCh38, chr9:317,064, plus strand): 5'-AATTCACTAATGATTTCCTTACGATGTGATTAAAAATAGGAGGATGCTGTGGAAATACGT[C>T]CAGTACCAGAATGTCCCAAGGAACACCTGGGCAACAGAATATTGGTCAAGTTGCTGACCT-3'
Protein context (NP_982272.2, residues 245-265): VDEEDAVEIR[Pro255Ser]VPECPKEHLG